The following is an entry in ClinVar:

ClinVar aggregate classification (germline): Uncertain significance (1 of 4 stars; one submission).

Conditions:
Joubert syndrome 20 (JBTS20). Identifiers: Orphanet 475, MedGen C3554235, MONDO:0013994, OMIM 614970.
Meckel syndrome, type 11 (MKS11). Identifiers: Orphanet 564, MedGen C3809352, MONDO:0014164, OMIM 615397.

Allele frequency attached by ClinVar (database versions not stated): gnomAD 0.00002 and 0.00003; ExAC 0.00008; 1000 Genomes Project 30x 0.00031.
gnomAD v4.1: 27 of 1,392,748 alleles (0.0019%); highest among the groups gnomAD compares: East Asian, 0.047%; no homozygotes.

Submission:

Labcorp Genetics (formerly Invitae), Labcorp
Classification: Uncertain significance for Joubert syndrome 20; Meckel syndrome, type 11. Last evaluated: 2022-06-20. Review status: criteria provided, single submitter. Criteria: Invitae Variant Classification Sherloc (09022015). Collection method: clinical testing. Allele origin: germline.
Comment: This sequence change replaces alanine, which is neutral and non-polar, with threonine, which is neutral and polar, at codon 16 of the TMEM231 protein (p.Ala16Thr). This variant is present in population databases (rs768513169, gnomAD 0.1%). This variant has not been reported in the literature in individuals affected with TMEM231-related conditions. Algorithms developed to predict the effect of missense changes on protein structure and function are either unavailable or do not agree on the potential impact of this missense change (SIFT: "Deleterious"; PolyPhen-2: "Not Available"; Align-GVGD: "Class C0"). In summary, the available evidence is currently insufficient to determine the role of this variant in disease. Therefore, it has been classified as a Variant of Uncertain Significance.

NM_001077418.3(TMEM231):c.-17G>A

Gene: TMEM231 (transmembrane protein 231; minus strand). Cytogenetic location: 16q23.1.
Variant type: single nucleotide variant.
Coding change: c.-17G>A on transcript NM_001077418.3 (MANE Select); 17 bases upstream of the start codon, G replaced by A.
Molecular consequence: 5 prime UTR variant. On other transcripts: missense variant (1), non-coding transcript variant (1).
Genome position (GRCh38, 1-based): chr16:75,556,226, C>T on the plus strand (G>A on the coding strand, the complement: TMEM231 is on the minus strand). VCF-style: chr16-75556226-C-T. GRCh37 (hg19) VCF-style: chr16-75590124-C-T.
Other names: c.46G>A, p.Ala16Thr (NM_001077416.2); short protein forms A16T.
Identifiers: ClinVar variation 1434452 (VCV001434452.3), dbSNP rs768513169, ClinGen allele CA8176330.